The following is an entry in ClinVar:

Single allele

Genes: CSTA (cystatin A; plus strand), DNAJB8 (DnaJ heat shock protein family (Hsp40) member B8; minus strand), KBTBD12 (kelch repeat and BTB domain containing 12; plus strand), POLQ (DNA polymerase theta; minus strand), SLC15A2 (solute carrier family 15 member 2; plus strand) and 66 more. Cytogenetic location: 3q13.33-21.3.
Variant type: Deletion.
Identifiers: ClinVar variation 1183989 (VCV001183989.1).

ClinVar aggregate classification (germline): Pathogenic (1 of 4 stars; one submission).

Conditions:
Deafness-lymphedema-leukemia syndrome. Also called: Emberger syndrome; Lymphedema, primary, with myelodysplasia. Identifiers: Orphanet 3226, MedGen C3279664, MONDO:0013540, OMIM 614038.
GATA2 deficiency with susceptibility to MDS/AML. Identifiers: MedGen CN300066, MONDO:0042982.

Submission:

Molecular Pathology Research Laboratory, SA Pathology
Classification: Pathogenic for GATA2 deficiency with susceptibility to MDS/AML; Deafness-lymphedema-leukemia syndrome. Last evaluated: 2021-07-06. Review status: criteria provided, single submitter. Criteria: ACMG Guidelines, 2015. Collection method: curation. Allele origin: unknown. Inheritance: Autosomal dominant inheritance. Affected: yes. Observed: 1 variant allele.
Comment: PVS1, PS4_Supporting, PM2

Literature cited by the submitters: PubMed 19449416; PubMed 22147895.